The following is an entry in ClinVar:

NC_000009.11:g.(?_101470679)_(101611374_?)dup

Genes: ANKS6 (ankyrin repeat and sterile alpha motif domain containing 6; minus strand), GABBR2 (gamma-aminobutyric acid type B receptor subunit 2; minus strand), GALNT12 (polypeptide N-acetylgalactosaminyltransferase 12; plus strand). Cytogenetic location: 9q22.33.
Variant type: Duplication.
Identifiers: ClinVar variation 1578138 (VCV001578138.7).

ClinVar aggregate classification (germline): Likely benign. Review status: criteria provided, single submitter (1 of 4 stars). 2 submissions from 1 submitter: Likely benign (1). 1 of the submissions does not count toward it. Last evaluated 2023-07-09.

Conditions:
Epileptic encephalopathy. Identifiers: MedGen C0543888, HP:0200134.

Submissions (2):

Labcorp Genetics (formerly Invitae), Labcorp
Classification: Likely benign for Epileptic encephalopathy. Last evaluated: 2023-07-09. Review status: criteria provided, single submitter. Criteria: Invitae Variant Classification Sherloc (09022015). Collection method: clinical testing. Allele origin: germline.

Labcorp Genetics (formerly Invitae), Labcorp
Classification: Uncertain significance. Last evaluated: 2022-10-01. Review status: flagged submission. Criteria: Invitae Variant Classification Sherloc (09022015). Collection method: clinical testing. Allele origin: germline. Not counted in ClinVar's aggregate classification.
Comment: A copy number gain of the genomic region encompassing the full coding sequence of the GALNT12 gene has been identified. The boundaries of this event are unknown as they extend beyond the assayed region for this gene and therefore may encompass additional genes. As the precise location of this event is unknown, it may be in tandem or it may be located elsewhere in the genome. This variant has not been reported in the literature in individuals affected with GALNT12-related conditions. Experimental studies and prediction algorithms are not available or were not evaluated, and the functional significance of this variant is currently unknown. In summary, the available evidence is currently insufficient to determine the role of this variant in disease. Therefore, it has been classified as a Variant of Uncertain Significance.
ClinVar note: Reason: This record appears to be redundant with a more recent record from the same submitter.
ClinVar note: Notes: SCV003793093 appears to be redundant with SCV002372342.